The following is an entry in ClinVar:

NM_152490.5(B3GALNT2):c.764C>T (p.Ala255Val)

Gene: B3GALNT2 (beta-1,3-N-acetylgalactosaminyltransferase 2; minus strand). Cytogenetic location: 1q42.3.
Variant type: single nucleotide variant.
Coding change: c.764C>T on transcript NM_152490.5 (MANE Select); coding-DNA position 764, C replaced by T.
Protein change: p.Ala255Val; replaces alanine 255 with valine.
Molecular consequence: missense variant.
Genome position (GRCh38, 1-based): chr1:235,465,713, G>A on the plus strand (C>T on the coding strand, the complement: B3GALNT2 is on the minus strand). VCF-style: chr1-235465713-G-A. GRCh37 (hg19) VCF-style: chr1-235629030-G-A.
Other names: c.887C>T, p.Ala296Val (NM_001277155.3); short protein forms A255V, A296V.
Identifiers: ClinVar variation 4536341 (VCV004536341.1).
Genomic context (GRCh38, chr1:235,465,713, plus strand): 5'-AAACCACCTGCAACTCCCTCCACACCTTCCAAGAATTCATGAGGCAATGCACCCTCCCCA[G>A]CCTGAAAGGAATAAGAATGTACTCAGTGATTCATTACTAAAAATACACTGATCATATTTT-3'
Protein context (NP_689703.1, residues 245-265): DGGGVLRVIT[Ala255Val]GEGALPHEFL

ClinVar aggregate classification (germline): Uncertain significance (1 of 4 stars; one submission).

Submission:

GeneDx
Classification: Uncertain significance. Last evaluated: 2025-06-05. Review status: criteria provided, single submitter. Criteria: GeneDx Variant Classification Process June 2021. Collection method: clinical testing. Allele origin: germline. Affected: yes.
Comment: Not observed at significant frequency in large population cohorts (gnomAD); In silico analysis suggests that this missense variant does not alter protein structure/function; Has not been previously published as pathogenic or benign to our knowledge